The following is an entry in ClinVar:

NM_004444.5(EPHB4):c.1139A>G (p.Asp380Gly)

Gene: EPHB4 (EPH receptor B4; minus strand). Cytogenetic location: 7q22.1.
Variant type: single nucleotide variant.
Coding change: c.1139A>G on transcript NM_004444.5 (MANE Select); coding-DNA position 1139, A replaced by G.
Protein change: p.Asp380Gly; replaces aspartic acid 380 with glycine.
Molecular consequence: missense variant.
Genome position (GRCh38, 1-based): chr7:100,819,715, T>C on the plus strand (A>G on the coding strand, the complement: EPHB4 is on the minus strand). VCF-style: chr7-100819715-T-C. GRCh37 (hg19) VCF-style: chr7-100417337-T-C.
Other names: short protein forms D380G.
Identifiers: ClinVar variation 1730543 (VCV001730543.2), dbSNP rs868564730, ClinGen allele CA163284996.

ClinVar aggregate classification (germline): Uncertain significance (1 of 4 stars; one submission).

Conditions:
Cardiovascular phenotype. Identifiers: MedGen CN230736.

Submission:

Ambry Genetics
Classification: Uncertain significance for Cardiovascular phenotype. Last evaluated: 2022-09-12. Review status: criteria provided, single submitter. Criteria: Ambry Variant Classification Scheme 2023. Collection method: clinical testing. Allele origin: germline.
Comment: The p.D380G variant (also known as c.1139A>G), located in coding exon 6 of the EPHB4 gene, results from an A to G substitution at nucleotide position 1139. The aspartic acid at codon 380 is replaced by glycine, an amino acid with similar properties. This amino acid position is conserved. In addition, this alteration is predicted to be tolerated by in silico analysis. Since supporting evidence is limited at this time, the clinical significance of this alteration remains unclear.